The following is an entry in ClinVar:

NM_021922.3(FANCE):c.1141C>T (p.Arg381Cys)

Gene: FANCE (FA complementation group E; plus strand). Cytogenetic location: 6p21.31.
Variant type: single nucleotide variant.
Coding change: c.1141C>T on transcript NM_021922.3 (MANE Select); coding-DNA position 1141, C replaced by T.
Protein change: p.Arg381Cys; replaces arginine 381 with cysteine.
Molecular consequence: missense variant.
Genome position (GRCh38, 1-based): chr6:35,459,358, C>T. VCF-style: chr6-35459358-C-T. GRCh37 (hg19) VCF-style: chr6-35427135-C-T.
Other names: short protein forms R381C.
Identifiers: ClinVar variation 134342 (VCV000134342.12), dbSNP rs371020401, ClinGen allele CA159551.

ClinVar aggregate classification (germline): Uncertain significance. Review status: criteria provided, multiple submitters, no conflicts (2 of 4 stars). 6 submissions from 6 submitters: Uncertain significance (5). 1 of the submissions does not count toward it. Last evaluated 2024-11-07.

Conditions:
Fanconi anemia (FA). Also called: Fanconi's anemia. Identifiers: Orphanet 84, MedGen C0015625, MeSH D005199, MONDO:0019391.
Fanconi anemia complementation group E (FANCE). Also called: FANCE-Related Fanconi Anemia. Identifiers: Orphanet 84, MedGen C3160739, MONDO:0010953, OMIM 600901.

Allele frequency attached by ClinVar (database versions not stated): ESP Exome Variant Server 0.00008; ExAC 0.00012; gnomAD exomes 0.00014; 1000 Genomes Project 30x 0.00016; TOPMed 0.00016; 1000 Genomes Project 0.00020.

Submissions (6):

Blueprint Genetics
Classification: Uncertain significance. Last evaluated: 2024-11-07. Review status: criteria provided, single submitter. Criteria: ACMG Guidelines, 2015. Collection method: clinical testing. Allele origin: germline.

Fulgent Genetics
Classification: Uncertain significance for Fanconi anemia complementation group E. Last evaluated: 2024-03-22. Review status: criteria provided, single submitter. Criteria: ACMG Guidelines, 2015. Collection method: clinical testing. Allele origin: germline.

Labcorp Genetics (formerly Invitae), Labcorp
Classification: Uncertain significance for Fanconi anemia complementation group E. Last evaluated: 2022-04-28. Review status: criteria provided, single submitter. Criteria: Invitae Variant Classification Sherloc (09022015). Collection method: clinical testing. Allele origin: germline.
Comment: This sequence change replaces arginine, which is basic and polar, with cysteine, which is neutral and slightly polar, at codon 381 of the FANCE protein (p.Arg381Cys). This variant is present in population databases (rs371020401, gnomAD 0.05%). This variant has not been reported in the literature in individuals affected with FANCE-related conditions. ClinVar contains an entry for this variant (Variation ID: 134342). Algorithms developed to predict the effect of missense changes on protein structure and function (SIFT, PolyPhen-2, Align-GVGD) all suggest that this variant is likely to be disruptive. In summary, the available evidence is currently insufficient to determine the role of this variant in disease. Therefore, it has been classified as a Variant of Uncertain Significance.

Sema4
Classification: Uncertain significance for Fanconi anemia. Last evaluated: 2022-03-04. Review status: criteria provided, single submitter. Criteria: Sema4 Curation Guidelines. Collection method: curation. Allele origin: germline.
Comment: The FANCE c.1141C>T (p.R381C) variant has been reported in heterozygosity in at least 2 individuals with ovarian cancer (PMID: 32546565) but has also been reported in healthy controls (PMID: 24728327). It was observed in 11/24964 chromosomes of the African/African American subpopulation in the large and broad cohorts of the Genome Aggregation Database (PMID: 32461654). This variant has been reported in ClinVar (Variation ID: 134342). Functional studies have not been performed, and in silico predictions of the variant's effect on protein function are inconclusive. The evidence is insufficient to meet ACMG/AMP criteria for classifying the variant as benign or pathogenic. Thus, the clinical significance of this variant is currently uncertain.

Baylor Genetics
Classification: Uncertain significance for Fanconi anemia complementation group E. Last evaluated: 2021-05-31. Review status: criteria provided, single submitter. Criteria: ACMG Guidelines, 2015. Collection method: clinical testing. Allele origin: unknown. Affected: yes. Study: CSER-TexasKidsCanSeq.
Comment: This variant was determined to be of uncertain significance according to ACMG Guidelines, 2015 [PMID:25741868].

ITMI
No classification provided. Condition: AllHighlyPenetrant. Last evaluated: 2013-09-19. Review status: no classification provided. Collection method: reference population. Allele origin: germline. Not counted in ClinVar's aggregate classification.
Comment: Please see associated publication for description of ethnicities

Literature cited by the submitters: PubMed 32546565 (cited by Sema4); PubMed 24728327 (cited by Sema4 and ITMI).